The following is an entry in ClinVar:

NM_001903.5(CTNNA1):c.1597A>T (p.Lys533Ter)

Gene: CTNNA1 (catenin alpha 1; plus strand). Cytogenetic location: 5q31.2.
Variant type: single nucleotide variant.
Coding change: c.1597A>T on transcript NM_001903.5 (MANE Select); coding-DNA position 1597, A replaced by T.
Protein change: p.Lys533Ter; replaces lysine 533 with a stop codon.
Molecular consequence: nonsense.
Genome position (GRCh38, 1-based): chr5:138,924,560, A>T. VCF-style: chr5-138924560-A-T. GRCh37 (hg19) VCF-style: chr5-138260249-A-T.
Other names: c.1597A>T, p.Lys533Ter (NM_001290307.3, NM_001323982.2, NM_001323983.1 and 2 more transcripts); c.1288A>T, p.Lys430Ter (NM_001290309.3); c.1228A>T, p.Lys410Ter (NM_001290310.3); c.487A>T, p.Lys163Ter (NM_001290312.1, NM_001323987.1, NM_001323988.1 and 17 more transcripts); c.1504A>T, p.Lys502Ter (NM_001323986.2); c.148A>T, p.Lys50Ter (NM_001324006.1, NM_001324007.1, NM_001324008.1 and 2 more transcripts); c.394A>T, p.Lys132Ter (NM_001324011.1); c.244A>T, p.Lys82Ter (NM_001324012.1, NM_001324013.1); short protein forms K132*, K163*, K50*, K502*, K410*, K533*, K430*, K82*.
Identifiers: ClinVar variation 2625483 (VCV002625483.3), dbSNP rs2150288180, ClinGen allele CA361131791.
Genomic context (GRCh38, chr5:138,924,560, plus strand): 5'-TGTTCTCCAGAGAATCACATTTTGGAAGATGTGAACAAATGTGTCATTGCTCTCCAAGAG[A>T]AGGATGTGGATGGCCTGGACCGCACAGCTGGTGCAATTCGAGGCCGGGCAGCCCGGGTCA-3'

ClinVar aggregate classification (germline): Pathogenic (1 of 4 stars; one submission).

Conditions:
Hereditary cancer-predisposing syndrome. Also called: Tumor predisposition; Hereditary Cancer Syndrome; Hereditary neoplastic syndrome; Neoplastic Syndromes, Hereditary. Identifiers: Orphanet 140162, MedGen C0027672, MeSH D009386, MONDO:0015356.

Submission:

Ambry Genetics
Classification: Pathogenic for Hereditary cancer-predisposing syndrome. Last evaluated: 2025-07-09. Review status: criteria provided, single submitter. Criteria: Ambry Variant Classification Scheme 2023. Collection method: clinical testing. Allele origin: germline.
Comment: The p.K533* pathogenic mutation (also known as c.1597A>T), located in coding exon 11 of the CTNNA1 gene, results from an A to T substitution at nucleotide position 1597. This changes the amino acid from a lysine to a stop codon within coding exon 11. This variant is considered to be rare based on population cohorts in the Genome Aggregation Database (gnomAD). This alteration is expected to result in loss of function by premature protein truncation or nonsense-mediated mRNA decay. As such, this alteration is interpreted as a disease-causing mutation.